The following is an entry in ClinVar:

ClinVar aggregate classification (germline): Uncertain significance. Review status: criteria provided, multiple submitters, no conflicts (2 of 4 stars). 2 submissions from 2 submitters: Uncertain significance (2). Last evaluated 2023-11-15.

Conditions:
Neurofibromatosis, type 1 (NF1). Also called: VON RECKLINGHAUSEN DISEASE; NEUROFIBROMATOSIS, TYPE I, SOMATIC; Neurofibromatosis, type I; Peripheral type neurofibromatosis. Identifiers: Orphanet 636, MedGen C0027831, MONDO:0018975, OMIM 162200. Disease mechanism: loss of function.

Submissions (2):

Women's Health and Genetics/Laboratory Corporation of America, LabCorp
Classification: Uncertain significance. Last evaluated: 2023-11-15. Review status: criteria provided, single submitter. Criteria: LabCorp Variant Classification Summary - May 2015. Collection method: clinical testing. Allele origin: germline.

Labcorp Genetics (formerly Invitae), Labcorp
Classification: Uncertain significance for Neurofibromatosis, type 1. Last evaluated: 2022-06-26. Review status: criteria provided, single submitter. Criteria: Invitae Variant Classification Sherloc (09022015). Collection method: clinical testing. Allele origin: germline.
Comment: In summary, the available evidence is currently insufficient to determine the role of this variant in disease. Therefore, it has been classified as a Variant of Uncertain Significance. Algorithms developed to predict the effect of missense changes on protein structure and function output the following: SIFT: "Tolerated"; PolyPhen-2: "Benign"; Align-GVGD: "Class C0". The proline amino acid residue is found in multiple mammalian species, which suggests that this missense change does not adversely affect protein function. This variant has not been reported in the literature in individuals affected with NF1-related conditions. This variant is not present in population databases (gnomAD no frequency). This sequence change replaces arginine, which is basic and polar, with proline, which is neutral and non-polar, at codon 652 of the NF1 protein (p.Arg652Pro).

NM_001042492.3(NF1):c.1955G>C (p.Arg652Pro)

Gene: NF1 (neurofibromin 1; plus strand). Cytogenetic location: 17q11.2.
Variant type: single nucleotide variant.
Coding change: c.1955G>C on transcript NM_001042492.3 (MANE Select); coding-DNA position 1955, G replaced by C.
Protein change: p.Arg652Pro; replaces arginine 652 with proline.
Molecular consequence: missense variant.
Genome position (GRCh38, 1-based): chr17:31,225,204, G>C. VCF-style: chr17-31225204-G-C. GRCh37 (hg19) VCF-style: chr17-29552222-G-C.
Other names: c.1955G>C, p.Arg652Pro (NM_000267.4); short protein forms R652P.
Identifiers: ClinVar variation 1426948 (VCV001426948.9), dbSNP rs587778549, ClinGen allele CA399005502.